The following is an entry in ClinVar:

ClinVar aggregate classification (germline): Uncertain significance (1 of 4 stars; one submission).

Conditions:
DiGeorge syndrome. Also called: THIRD AND FOURTH PHARYNGEAL POUCH SYNDROME; Catch22. Identifiers: Orphanet 567, MedGen C0012236, MONDO:0008564, OMIM 188400.

Submission:

Labcorp Genetics (formerly Invitae), Labcorp
Classification: Uncertain significance for DiGeorge syndrome. Last evaluated: 2025-12-25. Review status: criteria provided, single submitter. Criteria: Invitae Variant Classification Sherloc (09022015). Collection method: clinical testing. Allele origin: germline.
Comment: This sequence change replaces proline, which is neutral and non-polar, with serine, which is neutral and polar, at codon 487 of the TBX1 protein (p.Pro487Ser). The frequency data for this variant in the population databases is considered unreliable, as metrics indicate poor data quality at this position in the gnomAD database. This variant has not been reported in the literature in individuals affected with TBX1-related conditions. An algorithm developed to predict the effect of missense changes on protein structure and function (PolyPhen-2) suggests that this variant is likely to be disruptive. In summary, the available evidence is currently insufficient to determine the role of this variant in disease. Therefore, it has been classified as a Variant of Uncertain Significance.

NM_001379200.1(TBX1):c.1486C>T (p.Pro496Ser)

Gene: TBX1 (T-box transcription factor 1; plus strand). Cytogenetic location: 22q11.21.
Variant type: single nucleotide variant.
Coding change: c.1486C>T on transcript NM_001379200.1 (MANE Select); coding-DNA position 1486, C replaced by T.
Protein change: p.Pro496Ser; replaces proline 496 with serine.
Molecular consequence: missense variant. On other transcripts: intron variant (2).
Genome position (GRCh38, 1-based): chr22:19,766,838, C>T. VCF-style: chr22-19766838-C-T. GRCh37 (hg19) VCF-style: chr22-19754361-C-T.
Other names: c.1459C>T, p.Pro487Ser (NM_080647.1); c.1009+836C>T (NM_005992.1, NM_080646.2); short protein forms P496S, P487S.
Identifiers: ClinVar variation 4748035 (VCV004748035.1).